The following is an entry in ClinVar:

NM_006254.4(PRKCD):c.1439T>C (p.Leu480Pro)

Gene: PRKCD (protein kinase C delta; plus strand). Cytogenetic location: 3p21.1.
Variant type: single nucleotide variant.
Coding change: c.1439T>C on transcript NM_006254.4 (MANE Select); coding-DNA position 1439, T replaced by C.
Protein change: p.Leu480Pro; replaces leucine 480 with proline.
Molecular consequence: missense variant.
Genome position (GRCh38, 1-based): chr3:53,188,743, T>C. VCF-style: chr3-53188743-T-C. GRCh37 (hg19) VCF-style: chr3-53222759-T-C.
Other names: c.1439T>C, p.Leu480Pro (NM_001316327.2, NM_001354679.2, NM_001354680.2 and 1 more transcripts); c.1496T>C, p.Leu499Pro (NM_001354676.2); c.1487T>C, p.Leu496Pro (NM_001354678.2); short protein forms L480P, L496P, L499P.
Identifiers: ClinVar variation 1467647 (VCV001467647.8), dbSNP rs1703806197, ClinGen allele CA353223098.

ClinVar aggregate classification (germline): Uncertain significance (1 of 4 stars; one submission).

Conditions:
Autoimmune lymphoproliferative syndrome, type III caused by mutation in PRKCD. Identifiers: Orphanet 3261, Orphanet 664711, MedGen C3809928, MONDO:8000024, OMIM 615559.

Submission:

Labcorp Genetics (formerly Invitae), Labcorp
Classification: Uncertain significance for Autoimmune lymphoproliferative syndrome, type III caused by mutation in PRKCD. Last evaluated: 2021-04-10. Review status: criteria provided, single submitter. Criteria: Invitae Variant Classification Sherloc (09022015). Collection method: clinical testing. Allele origin: germline.
Comment: In summary, the available evidence is currently insufficient to determine the role of this variant in disease. Therefore, it has been classified as a Variant of Uncertain Significance. Algorithms developed to predict the effect of missense changes on protein structure and function (SIFT, PolyPhen-2, Align-GVGD) all suggest that this variant is likely to be disruptive, but these predictions have not been confirmed by published functional studies and their clinical significance is uncertain. This variant has not been reported in the literature in individuals with PRKCD-related conditions. This variant is not present in population databases (ExAC no frequency). This sequence change replaces leucine with proline at codon 480 of the PRKCD protein (p.Leu480Pro). The leucine residue is weakly conserved and there is a moderate physicochemical difference between leucine and proline.